The following is an entry in ClinVar:

ClinVar aggregate classification (germline): Likely pathogenic (1 of 4 stars; one submission).

Conditions:
Becker muscular dystrophy, Cardiomyopathy, Duchenne muscular dystrophy, Dystrophin deficiency.

Submission:

Natera, Inc.
Classification: Likely pathogenic for Becker muscular dystrophy, Cardiomyopathy, Duchenne muscular dystrophy, Dystrophin deficiency. Last evaluated: 2024-12-04. Review status: criteria provided, single submitter. Criteria: Natera Variant Classification Schema (03/2026). Collection method: clinical testing. Allele origin: germline.
Comment: The c.4913T>A variant in DMD is a nonsense variant predicted to introduce a stop codon at amino acid 1638. This variant is expected to result in nonsense mediated decay, truncation, or a dysfunctional protein product. This variant is rare in the general population with a frequency below the threshold expected for the associated phenotype(s). Given the available evidence, this variant is classified as Likely Pathogenic.

NM_004006.3(DMD):c.4913T>A (p.Leu1638Ter)

Gene: DMD (dystrophin; minus strand). Cytogenetic location: Xp21.1.
Variant type: single nucleotide variant.
Coding change: c.4913T>A on transcript NM_004006.3 (MANE Select); coding-DNA position 4913, T replaced by A.
Protein change: p.Leu1638Ter; replaces leucine 1638 with a stop codon.
Molecular consequence: nonsense.
Genome position (GRCh38, 1-based): chrX:32,365,132, A>T on the plus strand (T>A on the coding strand, the complement: DMD is on the minus strand). VCF-style: chrX-32365132-A-T. GRCh37 (hg19) VCF-style: chrX-32383249-A-T.
Other names: c.4889T>A, p.Leu1630Ter (NM_000109.4); c.4901T>A, p.Leu1634Ter (NM_004009.3); c.4544T>A, p.Leu1515Ter (NM_004010.3); c.890T>A, p.Leu297Ter (NM_004011.4); c.881T>A, p.Leu294Ter (NM_004012.4); short protein forms L1515*, L1630*, L1634*, L1638*, L294*, L297*.
Identifiers: ClinVar variation 4815312 (VCV004815312.1).